The following is an entry in ClinVar:

NM_001018115.3(FANCD2):c.3558C>G (p.Leu1186=)

Genes: FANCD2 (FA complementation group D2; plus strand), FANCD2OS (FANCD2 opposite strand; minus strand). Cytogenetic location: 3p25.3.
Variant type: single nucleotide variant.
Coding change: c.3558C>G on transcript NM_001018115.3 (MANE Select); coding-DNA position 3558, C replaced by G.
Protein change: p.Leu1186=; no amino-acid change (leucine 1186 retained).
Molecular consequence: synonymous variant. On other transcripts: intron variant (1).
Genome position (GRCh38, 1-based): chr3:10,088,540, C>G. VCF-style: chr3-10088540-C-G. GRCh37 (hg19) VCF-style: chr3-10130224-C-G.
Other names: c.3558C>G, p.Leu1186= (NM_001319984.2, NM_001374254.1, NM_033084.6); c.3447C>G, p.Leu1149= (NM_001374253.1); c.*44-7009G>C (NM_173472.2).
Identifiers: ClinVar variation 435147 (VCV000435147.40), dbSNP rs745765337, ClinGen allele CA2250434.
Genomic context (GRCh38, chr3:10,088,540, plus strand): 5'-GTGGCCAAGTGGGGATAAAGAGAAGAGCAACATCTCTAATGACCAGCTCCATGCTCTGCT[C>G]TGGTGAGATGTTTGGTTTCTTCCAATGAGCCAAATAGCTTTTTTCTATTTTGCTACTGTT-3'
Protein context (NP_001018125.1, residues 1176-1196): NISNDQLHAL[Leu1186=]CIYLEHTESI

ClinVar aggregate classification (germline): Conflicting classifications of pathogenicity. Review status: criteria provided, conflicting classifications (1 of 4 stars). 6 submissions from 6 submitters: Uncertain significance (4); Likely benign (2). Last evaluated 2026-08-01.

Conditions:
Fanconi anemia (FA). Also called: Fanconi's anemia. Identifiers: Orphanet 84, MedGen C0015625, MeSH D005199, MONDO:0019391.
Fanconi anemia complementation group D2. Also called: FANCD2-Related Fanconi Anemia; FANCONI PANCYTOPENIA, TYPE 4; FANCONI ANEMIA, COMPLEMENTATION GROUP D. Identifiers: Orphanet 84, MedGen C3160738, MONDO:0009214, OMIM 227646.

Allele frequency attached by ClinVar (database versions not stated): TOPMed 0.00008; ExAC 0.00009; gnomAD exomes 0.00010 and 0.00011; 1000 Genomes Project 30x 0.00016; gnomAD 0.00001 and 0.00003.
gnomAD v4.1: 167 of 1,595,700 alleles (0.01%); highest among the groups gnomAD compares: Non-Finnish European, 0.013%; no homozygotes.

Submissions (6):

CeGaT Center for Human Genetics Tuebingen
Classification: Likely benign. Last evaluated: 2026-08-01. Review status: criteria provided, single submitter. Criteria: CeGaT Center For Human Genetics Tuebingen Variant Classification Criteria Version 2. Collection method: clinical testing. Allele origin: germline. Affected: yes. Observed: 6 variant alleles.
Comment: FANCD2: BP4, BP7

Labcorp Genetics (formerly Invitae), Labcorp
Classification: Likely benign for Fanconi anemia. Last evaluated: 2025-11-24. Review status: criteria provided, single submitter. Criteria: Invitae Variant Classification Sherloc (09022015). Collection method: clinical testing. Allele origin: germline.

Fulgent Genetics
Classification: Uncertain significance for Fanconi anemia complementation group D2. Last evaluated: 2024-02-24. Review status: criteria provided, single submitter. Criteria: ACMG Guidelines, 2015. Collection method: clinical testing. Allele origin: germline.

Blueprint Genetics
Classification: Uncertain significance. Last evaluated: 2023-12-18. Review status: criteria provided, single submitter. Criteria: ACMG Guidelines, 2015. Collection method: clinical testing. Allele origin: germline.

Illumina Laboratory Services, Illumina
Classification: Uncertain significance for Fanconi anemia complementation group D2. Last evaluated: 2017-04-28. Review status: criteria provided, single submitter. Criteria: ICSL Variant Classification Criteria 13 December 2019. Collection method: clinical testing. Allele origin: germline.
Comment: This variant was observed as part of a predisposition screen in an ostensibly healthy population. A literature search was performed for the gene, cDNA change, and amino acid change (where applicable). Publications were found based on this search. However, the evidence from the literature, in combination with allele frequency data from public databases where available, was not sufficient to rule this variant in or out of causing disease. Therefore, this variant is classified as a variant of unknown significance.

Genetic Services Laboratory, University of Chicago
Classification: Uncertain significance. Last evaluated: 2015-09-24. Review status: criteria provided, single submitter. Criteria: ACMG Guidelines, 2015. Collection method: clinical testing. Allele origin: germline. Affected: no.

Literature cited by the submitters: PubMed 16280053 (cited by Illumina Laboratory Services, Illumina).